The following is an entry in ClinVar:

ClinVar aggregate classification (germline): Uncertain significance (1 of 4 stars; one submission).

Conditions:
Episodic kinesigenic dyskinesia (EKD). Also called: Paroxysmal kinesigenic dyskinesia. Identifiers: Orphanet 98809, MedGen C1868682, MONDO:0044202.

Allele frequency attached by ClinVar (database versions not stated): gnomAD exomes below 0.00001; ExAC 0.00001; TOPMed 0.00001.

Submission:

Labcorp Genetics (formerly Invitae), Labcorp
Classification: Uncertain significance for Episodic kinesigenic dyskinesia. Last evaluated: 2023-09-14. Review status: criteria provided, single submitter. Criteria: Invitae Variant Classification Sherloc (09022015). Collection method: clinical testing. Allele origin: germline.
Comment: This sequence change replaces proline, which is neutral and non-polar, with leucine, which is neutral and non-polar, at codon 254 of the PRRT2 protein (p.Pro254Leu). This variant is present in population databases (rs775780478, gnomAD 0.0009%). This missense change has been observed in individual(s) with paroxysmal kinesigenic dyskinesia (PMID: 32392383). Advanced modeling of protein sequence and biophysical properties (such as structural, functional, and spatial information, amino acid conservation, physicochemical variation, residue mobility, and thermodynamic stability) performed at Invitae indicates that this missense variant is not expected to disrupt PRRT2 protein function. In summary, the available evidence is currently insufficient to determine the role of this variant in disease. Therefore, it has been classified as a Variant of Uncertain Significance.

Literature cited by the submitters: PubMed 32392383.

NM_145239.3(PRRT2):c.761C>T (p.Pro254Leu)

Genes: MVP-DT (MVP divergent transcript; minus strand), PRRT2 (proline rich transmembrane protein 2; plus strand). Cytogenetic location: 16p11.2.
Variant type: single nucleotide variant.
Coding change: c.761C>T on transcript NM_145239.3 (MANE Select); coding-DNA position 761, C replaced by T.
Protein change: p.Pro254Leu; replaces proline 254 with leucine.
Molecular consequence: missense variant.
Genome position (GRCh38, 1-based): chr16:29,813,815, C>T. VCF-style: chr16-29813815-C-T. GRCh37 (hg19) VCF-style: chr16-29825136-C-T.
Other names: c.761C>T, p.Pro254Leu (NM_001256442.2, NM_001256443.2); short protein forms P254L.
Identifiers: ClinVar variation 2882484 (VCV002882484.3), dbSNP rs775780478, ClinGen allele CA7994583.